The following is an entry in ClinVar:

ClinVar aggregate classification (germline): Likely benign (1 of 4 stars; one submission).

gnomAD v4.1: 46 of 1,612,624 alleles (0.0029%); highest among the groups gnomAD compares: Non-Finnish European, 0.0039%; no homozygotes.

Submission:

CeGaT Center for Human Genetics Tuebingen
Classification: Likely benign. Last evaluated: 2026-02-01. Review status: criteria provided, single submitter. Criteria: CeGaT Center For Human Genetics Tuebingen Variant Classification Criteria Version 2. Collection method: clinical testing. Allele origin: germline. Affected: yes. Observed: 1 variant allele.
Comment: IKZF1: BP4, BP7

NM_006060.6(IKZF1):c.1521G>T (p.Ser507=)

Gene: IKZF1 (IKAROS family zinc finger 1; plus strand). Cytogenetic location: 7p12.2.
Variant type: single nucleotide variant.
Coding change: c.1521G>T on transcript NM_006060.6 (MANE Select); coding-DNA position 1521, G replaced by T.
Protein change: p.Ser507=; no amino-acid change (serine 507 retained).
Molecular consequence: synonymous variant.
Genome position (GRCh38, 1-based): chr7:50,400,588, G>T. VCF-style: chr7-50400588-G-T. GRCh37 (hg19) VCF-style: chr7-50468286-G-T.
Other names: c.1395G>T, p.Ser465= (NM_001220765.3, NM_001291837.2); c.1230G>T, p.Ser410= (NM_001220767.2); c.1260G>T, p.Ser420= (NM_001220768.2, NM_001291838.2); c.1104G>T, p.Ser368= (NM_001220770.2); c.1092G>T, p.Ser364= (NM_001220771.2, NM_001291841.1); c.1134G>T, p.Ser378= (NM_001291839.2); c.831G>T, p.Ser277= (NM_001291840.1); c.1062G>T, p.Ser354= (NM_001291842.1); and 3 more.
Identifiers: ClinVar variation 4823325 (VCV004823325.4).